The following is an entry in ClinVar:

ClinVar aggregate classification (germline): Uncertain significance. Review status: criteria provided, multiple submitters, no conflicts (2 of 4 stars). 2 submissions from 2 submitters: Uncertain significance (2). Last evaluated 2026-01-26.

Conditions:
Hereditary cancer-predisposing syndrome. Also called: Neoplastic Syndromes, Hereditary; Tumor predisposition; Hereditary Cancer Syndrome; Hereditary neoplastic syndrome. Identifiers: Orphanet 140162, MedGen C0027672, MeSH D009386, MONDO:0015356.
Ataxia-telangiectasia syndrome (AT). Also called: Ataxia telangiectasia (A-T); ATAXIA-TELANGIECTASIA, COMPLEMENTATION GROUP A; ATAXIA-TELANGIECTASIA, FRESNO VARIANT; Ataxia-telangiectasia; Ataxia-telangiectasia, complementation group E; LOUIS-BAR SYNDROME. Identifiers: Orphanet 100, MedGen C0004135, MONDO:0008840, OMIM 208900.

Allele frequency attached by ClinVar (database versions not stated): gnomAD 0.00001; TOPMed 0.00001; gnomAD exomes below 0.00001.
gnomAD v4.1: 5 of 1,614,140 alleles (0.00031%); highest among the groups gnomAD compares: Middle Eastern, 0.016%; no homozygotes.

Submissions (2):

Labcorp Genetics (formerly Invitae), Labcorp
Classification: Uncertain significance for Ataxia-telangiectasia syndrome. Last evaluated: 2026-01-26. Review status: criteria provided, single submitter. Criteria: Invitae Variant Classification Sherloc (09022015). Collection method: clinical testing. Allele origin: germline.
Comment: This sequence change replaces valine, which is neutral and non-polar, with isoleucine, which is neutral and non-polar, at codon 2298 of the ATM protein (p.Val2298Ile). This variant is not present in population databases (gnomAD no frequency). This variant has not been reported in the literature in individuals affected with ATM-related conditions. ClinVar contains an entry for this variant (Variation ID: 1027190). Invitae Evidence Modeling of protein sequence and biophysical properties (such as structural, functional, and spatial information, amino acid conservation, physicochemical variation, residue mobility, and thermodynamic stability) indicates that this missense variant is not expected to disrupt ATM protein function with a negative predictive value of 95%. In summary, the available evidence is currently insufficient to determine the role of this variant in disease. Therefore, it has been classified as a Variant of Uncertain Significance.

Ambry Genetics
Classification: Uncertain significance for Hereditary cancer-predisposing syndrome. Last evaluated: 2024-11-26. Review status: criteria provided, single submitter. Criteria: Ambry Variant Classification Scheme 2023. Collection method: clinical testing. Allele origin: germline.
Comment: The p.V2298I variant (also known as c.6892G>A), located in coding exon 46 of the ATM gene, results from a G to A substitution at nucleotide position 6892. The valine at codon 2298 is replaced by isoleucine, an amino acid with highly similar properties. This amino acid position is highly conserved in available vertebrate species. In addition, the in silico prediction for this alteration is inconclusive. Based on the available evidence, the clinical significance of this variant remains unclear.

NM_000051.4(ATM):c.6892G>A (p.Val2298Ile)

Genes: ATM (ATM serine/threonine kinase; plus strand), C11orf65 (chromosome 11 open reading frame 65; minus strand). Cytogenetic location: 11q22.3.
Variant type: single nucleotide variant.
Coding change: c.6892G>A on transcript NM_000051.4 (MANE Select); coding-DNA position 6892, G replaced by A.
Protein change: p.Val2298Ile; replaces valine 2298 with isoleucine.
Molecular consequence: missense variant. On other transcripts: intron variant (2).
Genome position (GRCh38, 1-based): chr11:108,326,142, G>A. VCF-style: chr11-108326142-G-A. GRCh37 (hg19) VCF-style: chr11-108196869-G-A.
Other names: c.641-17071C>T (NM_001330368.2); c.*38+9078C>T (NM_001351110.2); c.6892G>A, p.Val2298Ile (NM_001351834.2); short protein forms V2298I.
Identifiers: ClinVar variation 1027190 (VCV001027190.10), dbSNP rs1204077610, ClinGen allele CA382556891.